The following is an entry in ClinVar:

NM_194454.3(KRIT1):c.1150A>G (p.Ile384Val)

Gene: KRIT1 (KRIT1 ankyrin repeat containing; minus strand). Cytogenetic location: 7q21.2.
Variant type: single nucleotide variant.
Coding change: c.1150A>G on transcript NM_194454.3 (MANE Select); coding-DNA position 1150, A replaced by G.
Protein change: p.Ile384Val; replaces isoleucine 384 with valine.
Molecular consequence: missense variant.
Genome position (GRCh38, 1-based): chr7:92,225,824, T>C on the plus strand (A>G on the coding strand, the complement: KRIT1 is on the minus strand). VCF-style: chr7-92225824-T-C. GRCh37 (hg19) VCF-style: chr7-91855138-T-C.
Other names: c.1006A>G, p.Ile336Val (NM_001013406.2, NM_001350669.1, NM_001350670.1); c.436A>G, p.Ile146Val (NM_001350671.1); c.1150A>G, p.Ile384Val (NM_001350672.1, NM_001350673.1, NM_001350674.1 and 26 more transcripts); short protein forms I336V, I384V, I146V.
Identifiers: ClinVar variation 2793236 (VCV002793236.3), dbSNP rs146060717, ClinGen allele CA4339182.

ClinVar aggregate classification (germline): Uncertain significance (1 of 4 stars; one submission).

Conditions:
Cerebral cavernous malformation (CCM). Also called: CAVERNOUS ANGIOMA, FAMILIAL; CAVERNOUS ANGIOMATOUS MALFORMATIONS; CEREBRAL CAPILLARY MALFORMATIONS; Cerebral cavernous hemangioma (type); Cerebral cavernous malformations; Cavernous Hemangioma of Brain. Identifiers: Orphanet 221061, MedGen C2919945, MONDO:0000820, OMIM 116860, HP:0033522.

Allele frequency attached by ClinVar (database versions not stated): gnomAD 0.00001; ExAC 0.00002; ESP Exome Variant Server 0.00008.
gnomAD v4.1: 4 of 1,562,930 alleles (0.00026%); highest among the groups gnomAD compares: African/African-American, 0.0014%; no homozygotes.

Submission:

Labcorp Genetics (formerly Invitae), Labcorp
Classification: Uncertain significance for Cerebral cavernous malformation. Last evaluated: 2023-02-09. Review status: criteria provided, single submitter. Criteria: Invitae Variant Classification Sherloc (09022015). Collection method: clinical testing. Allele origin: germline.
Comment: In summary, the available evidence is currently insufficient to determine the role of this variant in disease. Therefore, it has been classified as a Variant of Uncertain Significance. Advanced modeling of protein sequence and biophysical properties (such as structural, functional, and spatial information, amino acid conservation, physicochemical variation, residue mobility, and thermodynamic stability) performed at Invitae indicates that this missense variant is not expected to disrupt KRIT1 protein function. This sequence change replaces isoleucine, which is neutral and non-polar, with valine, which is neutral and non-polar, at codon 384 of the KRIT1 protein (p.Ile384Val). This variant is present in population databases (rs146060717, gnomAD 0.006%). This variant has not been reported in the literature in individuals affected with KRIT1-related conditions.